The following is an entry in ClinVar:

ClinVar aggregate classification (germline): Uncertain significance (1 of 4 stars; one submission).

Submission:

Labcorp Genetics (formerly Invitae), Labcorp
Classification: Uncertain significance. Last evaluated: 2024-02-17. Review status: criteria provided, single submitter. Criteria: Invitae Variant Classification Sherloc (09022015). Collection method: clinical testing. Allele origin: germline.
Comment: This sequence change replaces glutamine, which is neutral and polar, with glutamic acid, which is acidic and polar, at codon 113 of the LZTFL1 protein (p.Gln113Glu). This variant is not present in population databases (gnomAD no frequency). This variant has not been reported in the literature in individuals affected with LZTFL1-related conditions. ClinVar contains an entry for this variant (Variation ID: 2000176). Advanced modeling of protein sequence and biophysical properties (such as structural, functional, and spatial information, amino acid conservation, physicochemical variation, residue mobility, and thermodynamic stability) performed at Invitae indicates that this missense variant is not expected to disrupt LZTFL1 protein function with a negative predictive value of 80%. In summary, the available evidence is currently insufficient to determine the role of this variant in disease. Therefore, it has been classified as a Variant of Uncertain Significance.

NM_020347.4(LZTFL1):c.337C>G (p.Gln113Glu)

Gene: LZTFL1 (leucine zipper transcription factor like 1; minus strand). Cytogenetic location: 3p21.31.
Variant type: single nucleotide variant.
Coding change: c.337C>G on transcript NM_020347.4 (MANE Select); coding-DNA position 337, C replaced by G.
Protein change: p.Gln113Glu; replaces glutamine 113 with glutamic acid.
Molecular consequence: missense variant. On other transcripts: non-coding transcript variant (1).
Genome position (GRCh38, 1-based): chr3:45,834,285, G>C on the plus strand (C>G on the coding strand, the complement: LZTFL1 is on the minus strand). VCF-style: chr3-45834285-G-C. GRCh37 (hg19) VCF-style: chr3-45875777-G-C.
Other names: c.286C>G, p.Gln96Glu (NM_001276378.2, NM_001386451.1, NM_001405922.1 and 4 more transcripts); c.325C>G, p.Gln109Glu (NM_001276379.2, NM_001405921.1); c.337C>G, p.Gln113Glu (NM_001386452.1, NM_001405924.1); c.361C>G, p.Gln121Glu (NM_001405920.1, NM_001405925.1); short protein forms Q96E, Q109E, Q113E, Q121E.
Identifiers: ClinVar variation 2000176 (VCV002000176.3), dbSNP rs2529787794, ClinGen allele CA352452239.